The following is an entry in ClinVar:

NM_138927.4(SON):c.5935C>A (p.Arg1979Ser)

Gene: SON (SON DNA and RNA binding protein; plus strand). Cytogenetic location: 21q22.11.
Variant type: single nucleotide variant.
Coding change: c.5935C>A on transcript NM_138927.4 (MANE Select); coding-DNA position 5935, C replaced by A.
Protein change: p.Arg1979Ser; replaces arginine 1979 with serine.
Molecular consequence: missense variant. On other transcripts: non-coding transcript variant (1), intron variant (1).
Genome position (GRCh38, 1-based): chr21:33,555,166, C>A. VCF-style: chr21-33555166-C-A. GRCh37 (hg19) VCF-style: chr21-34927472-C-A.
Other names: c.5935C>A, p.Arg1979Ser (NM_001291411.2, NM_001412133.1, NM_032195.3 and 2 more transcripts); c.245-1990C>A (NM_001291412.3); short protein forms R1979S.
Identifiers: ClinVar variation 2889455 (VCV002889455.3), dbSNP rs375774517, ClinGen allele CA410165838.

ClinVar aggregate classification (germline): Uncertain significance (1 of 4 stars; one submission).

Submission:

Labcorp Genetics (formerly Invitae), Labcorp
Classification: Uncertain significance. Last evaluated: 2023-12-08. Review status: criteria provided, single submitter. Criteria: Invitae Variant Classification Sherloc (09022015). Collection method: clinical testing. Allele origin: germline.
Comment: This sequence change replaces arginine, which is basic and polar, with serine, which is neutral and polar, at codon 1979 of the SON protein (p.Arg1979Ser). This variant is not present in population databases (gnomAD no frequency). This variant has not been reported in the literature in individuals affected with SON-related conditions. Experimental studies and prediction algorithms are not available or were not evaluated, and the functional significance of this variant is currently unknown. In summary, the available evidence is currently insufficient to determine the role of this variant in disease. Therefore, it has been classified as a Variant of Uncertain Significance.